The following is an entry in ClinVar:

NM_006947.4(SRP72):c.1123A>G (p.Ile375Val)

Gene: SRP72 (signal recognition particle 72; plus strand). Cytogenetic location: 4q12.
Variant type: single nucleotide variant.
Coding change: c.1123A>G on transcript NM_006947.4 (MANE Select); coding-DNA position 1123, A replaced by G.
Protein change: p.Ile375Val; replaces isoleucine 375 with valine.
Molecular consequence: missense variant. On other transcripts: non-coding transcript variant (1).
Genome position (GRCh38, 1-based): chr4:56,486,361, A>G. VCF-style: chr4-56486361-A-G. GRCh37 (hg19) VCF-style: chr4-57352527-A-G.
Other names: c.940A>G, p.Ile314Val (NM_001267722.2); short protein forms I375V, I314V.
Identifiers: ClinVar variation 4844216 (VCV004844216.1).
Genomic context (GRCh38, chr4:56,486,361, plus strand): 5'-TTCCCCCAAACTAAAAAAATTTAGGAATTTTCAGATCAGCATCCAGAAAATGCAGCTGAA[A>G]TTAAGCTGACCATGGCACAGTTGAAAATTTCTCAAGGTATTATGGTTTTCATCATGATTA-3'
Protein context (NP_008878.3, residues 365-385): SDQHPENAAE[Ile375Val]KLTMAQLKIS

ClinVar aggregate classification (germline): Uncertain significance (1 of 4 stars; one submission).

gnomAD v4.1: 3 of 1,606,196 alleles (0.00019%); highest among the groups gnomAD compares: Non-Finnish European, 0.00026%; no homozygotes.

Submission:

Ambry Genetics
Classification: Uncertain significance. Last evaluated: 2026-02-22. Review status: criteria provided, single submitter. Criteria: Ambry Variant Classification Scheme 2023. Collection method: clinical testing. Allele origin: germline.
Comment: The p.I375V variant (also known as c.1123A>G), located in coding exon 11 of the SRP72 gene, results from an A to G substitution at nucleotide position 1123. The isoleucine at codon 375 is replaced by valine, an amino acid with highly similar properties. This amino acid position is conserved. In addition, this alteration is predicted to be tolerated by in silico analysis. Based on the available evidence, the clinical significance of this variant remains unclear.